The following is an entry in ClinVar:

ClinVar aggregate classification (germline): Likely benign. Review status: criteria provided, multiple submitters, no conflicts (2 of 4 stars). 2 submissions from 2 submitters: Likely benign (2). Last evaluated 2024-03-07.

Conditions:
Dilated cardiomyopathy 1DD (CMD1DD). Identifiers: Orphanet 154, MedGen C2750995, MONDO:0013168, OMIM 613172.

Allele frequency attached by ClinVar (database versions not stated): gnomAD 0.00001; gnomAD exomes 0.00001; TOPMed 0.00002.
gnomAD v4.1: 8 of 1,550,492 alleles (0.00052%); highest among the groups gnomAD compares: African/African-American, 0.0082%; no homozygotes.

Submissions (2):

Labcorp Genetics (formerly Invitae), Labcorp
Classification: Likely benign for Dilated cardiomyopathy 1DD. Last evaluated: 2024-03-07. Review status: criteria provided, single submitter. Criteria: Invitae Variant Classification Sherloc (09022015). Collection method: clinical testing. Allele origin: germline.

GeneDx
Classification: Likely benign. Last evaluated: 2016-07-01. Review status: criteria provided, single submitter. Criteria: GeneDx Variant Classification (06012015). Collection method: clinical testing. Allele origin: germline. Affected: yes.
Comment: This variant is considered likely benign or benign based on one or more of the following criteria: it is a conservative change, it occurs at a poorly conserved position in the protein, it is predicted to be benign by multiple in silico algorithms, and/or has population frequency not consistent with disease.

NM_001134363.3(RBM20):c.3574-15C>T

Gene: RBM20 (RNA binding motif protein 20; plus strand). Cytogenetic location: 10q25.2.
Variant type: single nucleotide variant.
Coding change: c.3574-15C>T on transcript NM_001134363.3 (MANE Select); 15 bases into the intron before coding-DNA position 3574, C replaced by T.
Molecular consequence: intron variant.
Genome position (GRCh38, 1-based): chr10:110,835,853, C>T. VCF-style: chr10-110835853-C-T. GRCh37 (hg19) VCF-style: chr10-112595611-C-T.
Other names: c.3574-15C>T (LRG_382t1).
Identifiers: ClinVar variation 384504 (VCV000384504.5), dbSNP rs898223638, ClinGen allele CA16605980.